The following is an entry in ClinVar:

ClinVar aggregate classification (germline): Uncertain significance (1 of 4 stars; one submission).

Submission:

GeneDx
Classification: Uncertain significance. Last evaluated: 2025-07-25. Review status: criteria provided, single submitter. Criteria: GeneDx Variant Classification Process June 2021. Collection method: clinical testing. Allele origin: germline. Affected: yes.
Comment: Not observed at significant frequency in large population cohorts (gnomAD); In silico analysis supports that this missense variant has a deleterious effect on protein structure/function; Has not been previously published as pathogenic or benign to our knowledge

NM_181672.3(OGT):c.2563C>A (p.Pro855Thr)

Gene: OGT (O-linked N-acetylglucosamine (GlcNAc) transferase; plus strand). Cytogenetic location: Xq13.1.
Variant type: single nucleotide variant.
Coding change: c.2563C>A on transcript NM_181672.3 (MANE Select); coding-DNA position 2563, C replaced by A.
Protein change: p.Pro855Thr; replaces proline 855 with threonine.
Molecular consequence: missense variant.
Genome position (GRCh38, 1-based): chrX:71,564,727, C>A. VCF-style: chrX-71564727-C-A. GRCh37 (hg19) VCF-style: chrX-70784577-C-A.
Other names: c.2533C>A, p.Pro845Thr (NM_181673.3); short protein forms P845T, P855T.
Identifiers: ClinVar variation 4687083 (VCV004687083.1).